The following is an entry in ClinVar:

ClinVar aggregate classification (germline): Uncertain significance (1 of 4 stars; one submission).

Allele frequency attached by ClinVar (database versions not stated): gnomAD exomes 0.00002 and 0.00003; ExAC 0.00005; ESP Exome Variant Server 0.00008; gnomAD 0.00017 and 0.00019; TOPMed 0.00021; 1000 Genomes Project 0.00040; 1000 Genomes Project 30x 0.00047.

Submission:

Labcorp Genetics (formerly Invitae), Labcorp
Classification: Uncertain significance. Last evaluated: 2024-10-21. Review status: criteria provided, single submitter. Criteria: Invitae Variant Classification Sherloc (09022015). Collection method: clinical testing. Allele origin: germline.
Comment: This sequence change replaces alanine, which is neutral and non-polar, with valine, which is neutral and non-polar, at codon 200 of the DGAT1 protein (p.Ala200Val). This variant is present in population databases (rs368297805, gnomAD 0.03%). This variant has not been reported in the literature in individuals affected with DGAT1-related conditions. ClinVar contains an entry for this variant (Variation ID: 1358184). Invitae Evidence Modeling of protein sequence and biophysical properties (such as structural, functional, and spatial information, amino acid conservation, physicochemical variation, residue mobility, and thermodynamic stability) indicates that this missense variant is not expected to disrupt DGAT1 protein function with a negative predictive value of 80%. In summary, the available evidence is currently insufficient to determine the role of this variant in disease. Therefore, it has been classified as a Variant of Uncertain Significance.

NM_012079.6(DGAT1):c.599C>T (p.Ala200Val)

Gene: DGAT1 (diacylglycerol O-acyltransferase 1; minus strand). Cytogenetic location: 8q24.3.
Variant type: single nucleotide variant.
Coding change: c.599C>T on transcript NM_012079.6 (MANE Select); coding-DNA position 599, C replaced by T.
Protein change: p.Ala200Val; replaces alanine 200 with valine.
Molecular consequence: missense variant.
Genome position (GRCh38, 1-based): chr8:144,318,338, G>A on the plus strand (C>T on the coding strand, the complement: DGAT1 is on the minus strand). VCF-style: chr8-144318338-G-A. GRCh37 (hg19) VCF-style: chr8-145542001-G-A.
Other names: short protein forms A200V.
Identifiers: ClinVar variation 1358184 (VCV001358184.4), dbSNP rs368297805, ClinGen allele CA4936951.